The following is an entry in ClinVar:

NM_004836.7(EIF2AK3):c.2985+6T>A

Genes: EIF2AK3 (eukaryotic translation initiation factor 2 alpha kinase 3; minus strand), EIF2AK3-AS1 (EIF2AK3 antisense RNA 1; plus strand). Cytogenetic location: 2p11.2.
Variant type: single nucleotide variant.
Coding change: c.2985+6T>A on transcript NM_004836.7 (MANE Select); 6 bases into the intron after coding-DNA position 2985, T replaced by A.
Molecular consequence: intron variant.
Genome position (GRCh38, 1-based): chr2:88,570,868, A>T on the plus strand (T>A on the coding strand, the complement: EIF2AK3 is on the minus strand). VCF-style: chr2-88570868-A-T. GRCh37 (hg19) VCF-style: chr2-88870386-A-T.
Other names: c.2532+6T>A (NM_001313915.2).
Identifiers: ClinVar variation 1468133 (VCV001468133.6), dbSNP rs1674286829, ClinGen allele CA2573135919.
Genomic context (GRCh38, chr2:88,570,868, plus strand): 5'-ACATGAGAAGAGATTCATCAGGTACATCTGCTGCTGTGCTAGTAAGTAAAGGTCTGAAAA[A>T]CTCACCTGCTCTGGGCTCATATACAGTTTGGTCCCTACTTGTCCTGTGTGTCTGGCATAA-3'

ClinVar aggregate classification (germline): Uncertain significance (1 of 4 stars; one submission).

Submission:

Labcorp Genetics (formerly Invitae), Labcorp
Classification: Uncertain significance. Last evaluated: 2021-06-14. Review status: criteria provided, single submitter. Criteria: Invitae Variant Classification Sherloc (09022015). Collection method: clinical testing. Allele origin: germline.
Comment: In summary, the available evidence is currently insufficient to determine the role of this variant in disease. Therefore, it has been classified as a Variant of Uncertain Significance. Nucleotide substitutions within the consensus splice site are a relatively common cause of aberrant splicing (PMID: 17576681, 9536098). Algorithms developed to predict the effect of sequence changes on RNA splicing suggest that this variant is not likely to affect RNA splicing, but this prediction has not been confirmed by published transcriptional studies. This variant has not been reported in the literature in individuals with EIF2AK3-related conditions. This variant is not present in population databases (ExAC no frequency). This sequence change falls in intron 14 of the EIF2AK3 gene. It does not directly change the encoded amino acid sequence of the EIF2AK3 protein. It affects a nucleotide within the consensus splice site of the intron.

Literature cited by the submitters: PubMed 17576681; PubMed 9536098.